The following is an entry in ClinVar:

NM_178170.3(NEK8):c.142G>C (p.Ala48Pro)

Gene: NEK8 (NIMA related kinase 8; plus strand). Cytogenetic location: 17q11.2.
Variant type: single nucleotide variant.
Coding change: c.142G>C on transcript NM_178170.3 (MANE Select); coding-DNA position 142, G replaced by C.
Protein change: p.Ala48Pro; replaces alanine 48 with proline.
Molecular consequence: missense variant.
Genome position (GRCh38, 1-based): chr17:28,734,077, G>C. VCF-style: chr17-28734077-G-C. GRCh37 (hg19) VCF-style: chr17-27061095-G-C.
Other names: short protein forms A48P.
Identifiers: ClinVar variation 3066152 (VCV003066152.9), dbSNP rs2544436988, ClinGen allele CA398421999.
Genomic context (GRCh38, chr17:28,734,077, plus strand): 5'-AAGCTGGTGATCATCAAGCAGATTCCAGTGGAACAGATGACCAAGGAAGAGCGGCAGGCA[G>C]CCCAGAATGAGTGCCAGGTCCTCAAGCTGCTCAACCACCCCAATGTCATTGAGTACTACG-3'
Protein context (NP_835464.1, residues 38-58): EQMTKEERQA[Ala48Pro]QNECQVLKLL

ClinVar aggregate classification (germline): Uncertain significance. Review status: criteria provided, multiple submitters, no conflicts (2 of 4 stars). 2 submissions from 2 submitters: Uncertain significance (2). Last evaluated 2025-08-01.

Conditions:
Renal-hepatic-pancreatic dysplasia 2 (RHPD2). Identifiers: MedGen C3809434, MONDO:0014174, OMIM 615415.

Submissions (2):

CeGaT Center for Human Genetics Tuebingen
Classification: Uncertain significance. Last evaluated: 2025-08-01. Review status: criteria provided, single submitter. Criteria: CeGaT Center For Human Genetics Tuebingen Variant Classification Criteria Version 2. Collection method: clinical testing. Allele origin: germline. Affected: yes. Observed: 1 variant allele.
Comment: NEK8: PM2

MVZ Medizinische Genetik Mainz
Classification: Uncertain significance for Renal-hepatic-pancreatic dysplasia 2. Last evaluated: 2023-09-05. Review status: criteria provided, single submitter. Criteria: UK Practice Guidelines For Variant Classification V4 01 2020. Collection method: clinical testing. Allele origin: germline. Inheritance: Autosomal dominant inheritance. Affected: yes. Observed: 1 variant allele.